The following is an entry in ClinVar:

ClinVar aggregate classification (germline): Pathogenic. Review status: criteria provided, multiple submitters, no conflicts (2 of 4 stars). 2 submissions from 2 submitters: Pathogenic (2). Last evaluated 2024-10-01.

Conditions:
Hereditary cancer-predisposing syndrome. Also called: Neoplastic Syndromes, Hereditary; Tumor predisposition; Hereditary neoplastic syndrome; Hereditary Cancer Syndrome. Identifiers: Orphanet 140162, MedGen C0027672, MeSH D009386, MONDO:0015356.
Familial cancer of breast. Also called: BREAST CANCER, FAMILIAL; Hereditary breast cancer; hereditary breast carcinoma. Identifiers: Orphanet 227535, MedGen C0346153, MONDO:0016419, OMIM 114480. Disease mechanism: loss of function.

Submissions (2):

Ambry Genetics
Classification: Pathogenic for Hereditary cancer-predisposing syndrome. Last evaluated: 2024-10-01. Review status: criteria provided, single submitter. Criteria: Ambry Variant Classification Scheme 2023. Collection method: clinical testing. Allele origin: germline.
Comment: The p.K1903* pathogenic mutation (also known as c.5707A>T), located in coding exon 37 of the ATM gene, results from an A to T substitution at nucleotide position 5707. This changes the amino acid from a lysine to a stop codon within coding exon 37. This variant is considered to be rare based on population cohorts in the Genome Aggregation Database (gnomAD). This alteration is expected to result in loss of function by premature protein truncation or nonsense-mediated mRNA decay. As such, this alteration is interpreted as a disease-causing mutation.

Myriad Genetics, Inc.
Classification: Pathogenic for Familial cancer of breast. Last evaluated: 2024-01-25. Review status: criteria provided, single submitter. Criteria: Myriad Autosomal Dominant, Autosomal Recessive and X-Linked Classification Criteria (2023). Collection method: clinical testing. Allele origin: unknown.
Comment: This variant is considered pathogenic. This variant creates a termination codon and is predicted to result in premature protein truncation.

NM_000051.4(ATM):c.5707A>T (p.Lys1903Ter)

Gene: ATM (ATM serine/threonine kinase; plus strand). Cytogenetic location: 11q22.3.
Variant type: single nucleotide variant.
Coding change: c.5707A>T on transcript NM_000051.4 (MANE Select); coding-DNA position 5707, A replaced by T.
Protein change: p.Lys1903Ter; replaces lysine 1903 with a stop codon.
Molecular consequence: nonsense.
Genome position (GRCh38, 1-based): chr11:108,307,929, A>T. VCF-style: chr11-108307929-A-T. GRCh37 (hg19) VCF-style: chr11-108178656-A-T.
Other names: c.5707A>T, p.Lys1903Ter (NM_001351834.2); short protein forms K1903*.
Identifiers: ClinVar variation 3148107 (VCV003148107.2), dbSNP rs765027485, ClinGen allele CA382547870.